The following is an entry in ClinVar:

NM_139058.3(ARX):c.50A>G (p.Lys17Arg)

Gene: ARX (aristaless related homeobox; minus strand). Cytogenetic location: Xp21.3.
Variant type: single nucleotide variant.
Coding change: c.50A>G on transcript NM_139058.3 (MANE Select); coding-DNA position 50, A replaced by G.
Protein change: p.Lys17Arg; replaces lysine 17 with arginine.
Molecular consequence: missense variant.
Genome position (GRCh38, 1-based): chrX:25,015,688, T>C on the plus strand (A>G on the coding strand, the complement: ARX is on the minus strand). VCF-style: chrX-25015688-T-C. GRCh37 (hg19) VCF-style: chrX-25033805-T-C.
Other names: short protein forms K17R.
Identifiers: ClinVar variation 2501414 (VCV002501414.1), dbSNP rs2519109298, ClinGen allele CA412614006.

ClinVar aggregate classification (germline): Uncertain significance (1 of 4 stars; one submission).

Submission:

GeneDx
Classification: Uncertain significance. Last evaluated: 2022-11-08. Review status: criteria provided, single submitter. Criteria: GeneDx Variant Classification Process June 2021. Collection method: clinical testing. Allele origin: germline. Affected: yes.
Comment: Not observed at significant frequency in large population cohorts (gnomAD); In silico analysis supports that this missense variant does not alter protein structure/function; Has not been previously published as pathogenic or benign to our knowledge